The following is an entry in ClinVar:

ClinVar aggregate classification (germline): Uncertain significance (1 of 4 stars; one submission).

gnomAD v4.1: 1 of 1,614,166 alleles (0.000062%); no homozygotes.

Submission:

GeneDx
Classification: Uncertain significance. Last evaluated: 2024-11-19. Review status: criteria provided, single submitter. Criteria: GeneDx Variant Classification Process June 2021. Collection method: clinical testing. Allele origin: germline. Affected: yes.
Comment: Not observed at significant frequency in large population cohorts (gnomAD); In silico analysis supports that this missense variant has a deleterious effect on protein structure/function; Has not been previously published as pathogenic or benign to our knowledge

NM_001001331.4(ATP2B2):c.1532T>C (p.Val511Ala)

Gene: ATP2B2 (ATPase plasma membrane Ca2+ transporting 2; minus strand). Cytogenetic location: 3p25.3.
Variant type: single nucleotide variant.
Coding change: c.1532T>C on transcript NM_001001331.4 (MANE Select); coding-DNA position 1532, T replaced by C.
Protein change: p.Val511Ala; replaces valine 511 with alanine.
Molecular consequence: missense variant.
Genome position (GRCh38, 1-based): chr3:10,371,936, A>G on the plus strand (T>C on the coding strand, the complement: ATP2B2 is on the minus strand). VCF-style: chr3-10371936-A-G. GRCh37 (hg19) VCF-style: chr3-10413620-A-G.
Other names: c.1397T>C, p.Val466Ala (NM_001330611.3, NM_001353564.1, NM_001363862.1 and 1 more transcripts); short protein forms V466A, V511A.
Identifiers: ClinVar variation 3899807 (VCV003899807.1).
Genomic context (GRCh38, chr3:10,371,936, plus strand): 5'-TTGATGGAGCTGGGGTCGGGGATCTCTTTATAGTGGACGTCGCCGACATAGGCCTGTACC[A>G]CTGTCATGCGATTGGTGGTCAGCGTGCCTGTCTTGTCTGAGCAGATGGCTGTGGCATTGC-3'
Protein context (NP_001001331.1, residues 501-521): TGTLTTNRMT[Val511Ala]VQAYVGDVHY